The following is an entry in ClinVar:

ClinVar aggregate classification (germline): Uncertain significance (1 of 4 stars; one submission).

Conditions:
Familial thoracic aortic aneurysm and aortic dissection (TAAD). Also called: Thoracic aortic aneurysms and dissections. Identifiers: Orphanet 91387, MedGen C4707243, MONDO:0019625.

Allele frequency attached by ClinVar (database versions not stated): gnomAD exomes below 0.00001.
gnomAD v4.1: 2 of 1,613,886 alleles (0.00012%); highest among the groups gnomAD compares: Non-Finnish European, 0.00017%; no homozygotes.

Submission:

Ambry Genetics
Classification: Uncertain significance for Familial thoracic aortic aneurysm and aortic dissection. Last evaluated: 2022-03-07. Review status: criteria provided, single submitter. Criteria: Ambry Variant Classification Scheme 2023. Collection method: clinical testing. Allele origin: germline.
Comment: The p.A1079V variant (also known as c.3236C>T), located in coding exon 24 of the MYH11 gene, results from a C to T substitution at nucleotide position 3236. The alanine at codon 1079 is replaced by valine, an amino acid with similar properties. This amino acid position is conserved. In addition, the in silico prediction for this alteration is inconclusive. Since supporting evidence is limited at this time, the clinical significance of this alteration remains unclear.

NM_002474.3(MYH11):c.3236C>T (p.Ala1079Val)

Gene: MYH11 (myosin heavy chain 11; minus strand). Cytogenetic location: 16p13.11.
Variant type: single nucleotide variant.
Coding change: c.3236C>T on transcript NM_002474.3 (MANE Select); coding-DNA position 3236, C replaced by T.
Protein change: p.Ala1079Val; replaces alanine 1079 with valine.
Molecular consequence: missense variant.
Genome position (GRCh38, 1-based): chr16:15,737,506, G>A on the plus strand (C>T on the coding strand, the complement: MYH11 is on the minus strand). VCF-style: chr16-15737506-G-A. GRCh37 (hg19) VCF-style: chr16-15831363-G-A.
Other names: c.3236C>T, p.Ala1079Val (NM_022844.3); c.3257C>T, p.Ala1086Val (NM_001040113.2, NM_001040114.2); short protein forms A1086V, A1079V.
Identifiers: ClinVar variation 1729240 (VCV001729240.2), dbSNP rs543770978, ClinGen allele CA278623262.